The following is an entry in ClinVar:

ClinVar aggregate classification (germline): Uncertain significance. Review status: criteria provided, multiple submitters, no conflicts (2 of 4 stars). 2 submissions from 2 submitters: Uncertain significance (2). Last evaluated 2025-08-27.

Conditions:
Inborn genetic diseases. Identifiers: MedGen C0950123, MeSH D030342.

Allele frequency attached by ClinVar (database versions not stated): gnomAD 0.00002; TOPMed 0.00002.
gnomAD v4.1: 5 of 1,613,836 alleles (0.00031%); highest among the groups gnomAD compares: Non-Finnish European, 0.00042%; no homozygotes.

Submissions (2):

Ambry Genetics
Classification: Uncertain significance for Inborn genetic diseases. Last evaluated: 2025-08-27. Review status: criteria provided, single submitter. Criteria: Ambry Variant Classification Scheme 2023. Collection method: clinical testing. Allele origin: germline.

Labcorp Genetics (formerly Invitae), Labcorp
Classification: Uncertain significance. Last evaluated: 2020-02-18. Review status: criteria provided, single submitter. Criteria: Invitae Variant Classification Sherloc (09022015). Collection method: clinical testing. Allele origin: germline.
Comment: This sequence change replaces glycine with alanine at codon 20 of the PDZD7 protein (p.Gly20Ala). The glycine residue is moderately conserved and there is a small physicochemical difference between glycine and alanine. This variant is present in population databases (rs757934531, ExAC 0.003%). This variant has not been reported in the literature in individuals with PDZD7-related conditions. Algorithms developed to predict the effect of missense changes on protein structure and function are either unavailable or do not agree on the potential impact of this missense change (SIFT: "Tolerated"; PolyPhen-2: "Not Available"; Align-GVGD: "Class C0"). In summary, the available evidence is currently insufficient to determine the role of this variant in disease. Therefore, it has been classified as a Variant of Uncertain Significance.

NM_001195263.2(PDZD7):c.59G>C (p.Gly20Ala)

Gene: PDZD7 (PDZ domain containing 7; minus strand). Cytogenetic location: 10q24.31.
Variant type: single nucleotide variant.
Coding change: c.59G>C on transcript NM_001195263.2 (MANE Select); coding-DNA position 59, G replaced by C.
Protein change: p.Gly20Ala; replaces glycine 20 with alanine.
Molecular consequence: missense variant.
Genome position (GRCh38, 1-based): chr10:101,030,161, C>G on the plus strand (G>C on the coding strand, the complement: PDZD7 is on the minus strand). VCF-style: chr10-101030161-C-G. GRCh37 (hg19) VCF-style: chr10-102789918-C-G.
Other names: c.59G>C, p.Gly20Ala (NM_001351044.2, NM_024895.5); c.59G>C (NM_001195263.1); short protein forms G20A.
Identifiers: ClinVar variation 1010814 (VCV001010814.10), dbSNP rs757934531, ClinGen allele CA5654517.